The following is an entry in ClinVar:

ClinVar aggregate classification (germline): Uncertain significance. Review status: criteria provided, multiple submitters, no conflicts (2 of 4 stars). 2 submissions from 2 submitters: Uncertain significance (2). Last evaluated 2025-03-12.

Conditions:
Gorlin syndrome. Also called: Basal cell nevus syndrome; Nevoid Basal Cell Carcinoma Syndrome. Identifiers: Orphanet 377, MedGen C0004779, MONDO:0007187.

Allele frequency attached by ClinVar (database versions not stated): gnomAD 0.00001; TOPMed 0.00002; gnomAD exomes 0.00003; ExAC 0.00005.
gnomAD v4.1: 34 of 1,613,276 alleles (0.0021%); highest among the groups gnomAD compares: Non-Finnish European, 0.0025%; no homozygotes.

Submissions (2):

Labcorp Genetics (formerly Invitae), Labcorp
Classification: Uncertain significance for Gorlin syndrome. Last evaluated: 2025-03-12. Review status: criteria provided, single submitter. Criteria: Invitae Variant Classification Sherloc (09022015). Collection method: clinical testing. Allele origin: germline.
Comment: This sequence change replaces arginine, which is basic and polar, with histidine, which is basic and polar, at codon 497 of the PTCH2 protein (p.Arg497His). This variant is present in population databases (rs747326124, gnomAD 0.01%). This variant has not been reported in the literature in individuals affected with PTCH2-related conditions. ClinVar contains an entry for this variant (Variation ID: 959764). Invitae Evidence Modeling of protein sequence and biophysical properties (such as structural, functional, and spatial information, amino acid conservation, physicochemical variation, residue mobility, and thermodynamic stability) has been performed for this missense variant. However, the output from this modeling did not meet the statistical confidence thresholds required to predict the impact of this variant on PTCH2 protein function. In summary, the available evidence is currently insufficient to determine the role of this variant in disease. Therefore, it has been classified as a Variant of Uncertain Significance.

Ambry Genetics
Classification: Uncertain significance. Last evaluated: 2021-11-12. Review status: criteria provided, single submitter. Criteria: Ambry Variant Classification Scheme 2023. Collection method: clinical testing. Allele origin: germline.

NM_003738.5(PTCH2):c.1490G>A (p.Arg497His)

Gene: PTCH2 (patched 2; minus strand). Cytogenetic location: 1p34.1.
Variant type: single nucleotide variant.
Coding change: c.1490G>A on transcript NM_003738.5 (MANE Select); coding-DNA position 1490, G replaced by A.
Protein change: p.Arg497His; replaces arginine 497 with histidine.
Molecular consequence: missense variant.
Genome position (GRCh38, 1-based): chr1:44,828,606, C>T on the plus strand (G>A on the coding strand, the complement: PTCH2 is on the minus strand). VCF-style: chr1-44828606-C-T. GRCh37 (hg19) VCF-style: chr1-45294278-C-T.
Other names: c.1490G>A, p.Arg497His (NM_001166292.2); short protein forms R497H.
Identifiers: ClinVar variation 959764 (VCV000959764.11), dbSNP rs747326124, ClinGen allele CA823289.
Genomic context (GRCh38, chr1:44,828,606, plus strand): 5'-GCAGCCATGAGGAAGGCGGCCATGTTGTTGATGGATGTGAGTACGACACTGGTGCCCGTG[C>T]GCTGCAGACACTCGCCCATGCGCTCCTGCCAGGACAGAGTGGGGACCTGCCCTCAGGTCA-3'
Protein context (NP_003729.3, residues 487-507): LQERMGECLQ[Arg497His]TGTSVVLTSI